The following is an entry in ClinVar:

ClinVar aggregate classification (germline): Conflicting classifications of pathogenicity. Review status: criteria provided, conflicting classifications (1 of 4 stars). 8 submissions from 8 submitters: Uncertain significance (6); Likely benign (2). Last evaluated 2026-04-18.

Conditions:
MSH6-related disorder. Also called: MSH6-related condition; MSH6-Related disorders.
Hereditary nonpolyposis colorectal neoplasms. Identifiers: MedGen C0009405, MeSH D003123.
Hereditary cancer-predisposing syndrome. Also called: Neoplastic Syndromes, Hereditary; Hereditary neoplastic syndrome; Hereditary Cancer Syndrome; Tumor predisposition. Identifiers: Orphanet 140162, MedGen C0027672, MeSH D009386, MONDO:0015356.
Lynch syndrome. Identifiers: Orphanet 144, MedGen C4552100, MONDO:0005835. Disease mechanism: loss of function.
Endometrial carcinoma. Also called: Endometrial carcinoma, somatic. Identifiers: MedGen C0476089, MONDO:0002447, OMIM 608089, HP:0012114.

Allele frequency attached by ClinVar (database versions not stated): TOPMed 0.00001; ExAC 0.00004; gnomAD exomes 0.00004.
gnomAD v4.1: 9 of 1,566,550 alleles (0.00057%); highest among the groups gnomAD compares: Admixed American, 0.017%; no homozygotes.

Submissions (8):

PreventionGenetics, part of Exact Sciences
Classification: Uncertain significance for MSH6-related condition. Last evaluated: 2026-04-18. Review status: criteria provided, single submitter. Criteria: ACMG Guidelines, 2015. Collection method: clinical testing. Allele origin: germline.
Comment: The MSH6 c.2974G>A variant is predicted to result in the amino acid substitution p.Glu992Lys. To our knowledge this variant has not been reported in individuals with MSH6-related conditions. This variant is reported in 0.033% of alleles in individuals of Latino descent in gnomAD and has conflicting interpretations in ClinVar ranging from likely benign to uncertain (Variation ID: 233992). Although we suspect that this variant may be benign, at this time, the clinical significance of this variant is uncertain due to the absence of conclusive functional and genetic evidence.

Labcorp Genetics (formerly Invitae), Labcorp
Classification: Likely benign for Hereditary nonpolyposis colorectal neoplasms. Last evaluated: 2025-12-02. Review status: criteria provided, single submitter. Criteria: Invitae Variant Classification Sherloc (09022015). Collection method: clinical testing. Allele origin: germline.

Quest Diagnostics Nichols Institute San Juan Capistrano
Classification: Uncertain significance. Last evaluated: 2025-08-29. Review status: criteria provided, single submitter. Criteria: Quest Diagnostics criteria. Collection method: clinical testing. Allele origin: unknown.
Comment: The MSH6 c.2974G>A (p.Glu992Lys) variant has not been reported in individuals with MSH6-related conditions in the published literature. The frequency of this variant in the general population (Genome Aggregation Database) is uninformative in the assessment of its pathogenicity. Analysis of this variant using bioinformatics tools for the prediction of the effect of amino acid changes on protein structure and function yielded predictions that this variant is benign. Based on the available information, we are unable to determine the clinical significance of this variant.

Ambry Genetics
Classification: Uncertain significance for Hereditary cancer-predisposing syndrome. Last evaluated: 2025-08-05. Review status: criteria provided, single submitter. Criteria: Ambry Variant Classification Scheme 2023. Collection method: clinical testing. Allele origin: germline.
Comment: The p.E992K variant (also known as c.2974G>A), located in coding exon 4 of the MSH6 gene, results from a G to A substitution at nucleotide position 2974. The glutamic acid at codon 992 is replaced by lysine, an amino acid with similar properties. This amino acid position is well conserved in available vertebrate species. In addition, the in silico prediction for this alteration is inconclusive. Since supporting evidence is limited at this time, the clinical significance of this alteration remains unclear.

Color Diagnostics, LLC DBA Color Health
Classification: Uncertain significance for Hereditary cancer-predisposing syndrome. Last evaluated: 2025-06-11. Review status: criteria provided, single submitter. Criteria: ACMG Guidelines, 2015. Collection method: clinical testing. Allele origin: germline.
Comment: This missense variant replaces glutamic acid with lysine at codon 992 of the MSH6 protein. Computational prediction suggests that this variant may not impact protein structure and function. To our knowledge, functional studies have not been reported for this variant. This variant has not been reported in individuals affected with MSH6-related disorders in the literature. This variant has been identified in 9/212630 chromosomes in the general population by the Genome Aggregation Database (gnomAD). The available evidence is insufficient to determine the role of this variant in disease conclusively. Therefore, this variant is classified as a Variant of Uncertain Significance.

All of Us Research Program, National Institutes of Health
Classification: Uncertain significance for Lynch syndrome. Last evaluated: 2024-04-16. Review status: criteria provided, single submitter. Criteria: ACMG Guidelines, 2015. Collection method: clinical testing. Allele origin: germline. Inheritance: Autosomal dominant inheritance. Observed: 3 variant alleles, 3 heterozygotes.
Comment: This missense variant replaces glutamic acid with lysine at codon 992 of the MSH6 protein. Computational prediction suggests that this variant may not impact protein structure and function (internally defined REVEL score threshold <= 0.5, PMID: 27666373). To our knowledge, functional studies have not been reported for this variant. This variant has not been reported in individuals affected with MSH6-related disorders in the literature. This variant has been identified in 9/212630 chromosomes in the general population by the Genome Aggregation Database (gnomAD). The available evidence is insufficient to determine the role of this variant in disease conclusively. Therefore, this variant is classified as a Variant of Uncertain Significance.

This study involves interpretation of variants in research participants for the purpose of population health screening. Participant phenotype was not available at the time of variant classification. Additional details can be found in publication PMID: 35346344, PMCID: PMC8962531

Baylor Genetics
Classification: Uncertain significance for Endometrial carcinoma. Last evaluated: 2023-11-20. Review status: criteria provided, single submitter. Criteria: ACMG Guidelines, 2015. Collection method: clinical testing. Allele origin: unknown.

GeneDx
Classification: Likely benign. Last evaluated: 2019-12-04. Review status: criteria provided, single submitter. Criteria: GeneDx Variant Classification Process June 2021. Collection method: clinical testing. Allele origin: germline. Affected: yes.
Comment: This variant is associated with the following publications: (PMID: 29245953)

Literature cited by the submitters: PubMed 36243179 (cited by Quest Diagnostics Nichols Institute San Juan Capistrano).

NM_000179.3(MSH6):c.2974G>A (p.Glu992Lys)

Gene: MSH6 (mutS homolog 6; plus strand). Cytogenetic location: 2p16.3.
Variant type: single nucleotide variant.
Coding change: c.2974G>A on transcript NM_000179.3 (MANE Select); coding-DNA position 2974, G replaced by A.
Protein change: p.Glu992Lys; replaces glutamic acid 992 with lysine.
Molecular consequence: missense variant.
Genome position (GRCh38, 1-based): chr2:47,800,957, G>A. VCF-style: chr2-47800957-G-A. GRCh37 (hg19) VCF-style: chr2-48028096-G-A.
Other names: c.2584G>A, p.Glu862Lys (NM_001281492.2); c.2068G>A, p.Glu690Lys (NM_001281493.2, NM_001281494.2); short protein forms E992K, E862K, E690K.
Identifiers: ClinVar variation 233992 (VCV000233992.34), dbSNP rs774755404, ClinGen allele CA069899.